The following is an entry in ClinVar:

ClinVar aggregate classification (germline): Uncertain significance (1 of 4 stars; one submission).

Submission:

CeGaT Center for Human Genetics Tuebingen
Classification: Uncertain significance. Last evaluated: 2026-07-01. Review status: criteria provided, single submitter. Criteria: CeGaT Center For Human Genetics Tuebingen Variant Classification Criteria Version 2. Collection method: clinical testing. Allele origin: germline. Affected: yes. Observed: 1 variant allele.
Comment: EFTUD2: PM2, PP3

NM_004247.4(EFTUD2):c.180T>G (p.His60Gln)

Gene: EFTUD2 (elongation factor Tu GTP binding domain containing 2; minus strand). Cytogenetic location: 17q21.31.
Variant type: single nucleotide variant.
Coding change: c.180T>G on transcript NM_004247.4 (MANE Select); coding-DNA position 180, T replaced by G.
Protein change: p.His60Gln; replaces histidine 60 with glutamine.
Molecular consequence: missense variant.
Genome position (GRCh38, 1-based): chr17:44,886,676, A>C on the plus strand (T>G on the coding strand, the complement: EFTUD2 is on the minus strand). VCF-style: chr17-44886676-A-C. GRCh37 (hg19) VCF-style: chr17-42964044-A-C.
Other names: c.75T>G, p.His25Gln (NM_001142605.2); c.180T>G, p.His60Gln (NM_001258353.2, NM_001258354.2); short protein forms H25Q, H60Q.
Identifiers: ClinVar variation 5040147 (VCV005040147.1).